The following is an entry in ClinVar:

ClinVar aggregate classification (germline): Uncertain significance (1 of 4 stars; one submission).

Conditions:
Familial thoracic aortic aneurysm and aortic dissection (TAAD). Also called: Thoracic aortic aneurysms and dissections. Identifiers: Orphanet 91387, MedGen C4707243, MONDO:0019625.

Submission:

Ambry Genetics
Classification: Uncertain significance for Familial thoracic aortic aneurysm and aortic dissection. Last evaluated: 2021-08-22. Review status: criteria provided, single submitter. Criteria: Ambry Variant Classification Scheme 2023. Collection method: clinical testing. Allele origin: germline.
Comment: The p.P198S variant (also known as c.592C>T), located in coding exon 1 of the SKI gene, results from a C to T substitution at nucleotide position 592. The proline at codon 198 is replaced by serine, an amino acid with similar properties. This amino acid position is conserved. In addition, the in silico prediction for this alteration is inconclusive. Since supporting evidence is limited at this time, the clinical significance of this alteration remains unclear.

NM_003036.4(SKI):c.592C>T (p.Pro198Ser)

Gene: SKI (SKI proto-oncogene; plus strand). Cytogenetic location: 1p36.33.
Variant type: single nucleotide variant.
Coding change: c.592C>T on transcript NM_003036.4 (MANE Select); coding-DNA position 592, C replaced by T.
Protein change: p.Pro198Ser; replaces proline 198 with serine.
Molecular consequence: missense variant.
Genome position (GRCh38, 1-based): chr1:2,229,358, C>T. VCF-style: chr1-2229358-C-T. GRCh37 (hg19) VCF-style: chr1-2160797-C-T.
Other names: short protein forms P198S.
Identifiers: ClinVar variation 1750550 (VCV001750550.2), dbSNP rs1158858781, ClinGen allele CA337954249.